The following is an entry in ClinVar:

ClinVar aggregate classification (germline): Uncertain significance. Review status: criteria provided, multiple submitters, no conflicts (2 of 4 stars). 2 submissions from 2 submitters: Uncertain significance (2). Last evaluated 2025-01-10.

Conditions:
Hereditary cancer-predisposing syndrome. Also called: Neoplastic Syndromes, Hereditary; Tumor predisposition; Hereditary neoplastic syndrome; Hereditary Cancer Syndrome. Identifiers: Orphanet 140162, MedGen C0027672, MeSH D009386, MONDO:0015356.
BAP1-related tumor predisposition syndrome (TPDS1). Also called: Tumor susceptibility linked to germline BAP1 mutations; BAP1 tumor predisposition syndrome; TUMOR PREDISPOSITION SYNDROME 1; COMMON Syndrome. Identifiers: Orphanet 289539, MedGen C3280492, MONDO:0013692, OMIM 614327.

Submissions (2):

Molecular Pathology, Peter Maccallum Cancer Centre
Classification: Uncertain significance for BAP1-related tumor predisposition syndrome. Last evaluated: 2025-01-10. Review status: criteria provided, single submitter. Criteria: ACMG Guidelines, 2015. Collection method: clinical testing. Allele origin: germline. Inheritance: Autosomal dominant inheritance.

Color Diagnostics, LLC DBA Color Health
Classification: Uncertain significance for Hereditary cancer-predisposing syndrome. Last evaluated: 2023-12-04. Review status: criteria provided, single submitter. Criteria: ACMG Guidelines, 2015. Collection method: clinical testing. Allele origin: germline.
Comment: This missense variant replaces methionine with threonine at codon 687 of the BAP1 protein. Computational prediction suggests that this variant may not impact protein structure and function (internally defined REVEL score threshold <= 0.5, PMID: 27666373). To our knowledge, functional studies have not been reported for this variant. This variant has not been reported in individuals affected with BAP1-related disorders in the literature. This variant has not been identified in the general population by the Genome Aggregation Database (gnomAD). The available evidence is insufficient to determine the role of this variant in disease conclusively. Therefore, this variant is classified as a Variant of Uncertain Significance.

NM_004656.4(BAP1):c.2060T>C (p.Met687Thr)

Gene: BAP1 (BRCA1 associated deubiquitinase 1; minus strand). Cytogenetic location: 3p21.1.
Variant type: single nucleotide variant.
Coding change: c.2060T>C on transcript NM_004656.4 (MANE Select); coding-DNA position 2060, T replaced by C.
Protein change: p.Met687Thr; replaces methionine 687 with threonine.
Molecular consequence: missense variant.
Genome position (GRCh38, 1-based): chr3:52,402,418, A>G on the plus strand (T>C on the coding strand, the complement: BAP1 is on the minus strand). VCF-style: chr3-52402418-A-G. GRCh37 (hg19) VCF-style: chr3-52436434-A-G.
Other names: short protein forms M687T.
Identifiers: ClinVar variation 629452 (VCV000629452.6), dbSNP rs1559584779, ClinGen allele CA353094565.